The following is an entry in ClinVar:

NM_001382430.1(AKT1):c.799G>A (p.Glu267Lys)

Gene: AKT1 (AKT serine/threonine kinase 1; minus strand). Cytogenetic location: 14q32.33.
Variant type: single nucleotide variant.
Coding change: c.799G>A on transcript NM_001382430.1 (MANE Select); coding-DNA position 799, G replaced by A.
Protein change: p.Glu267Lys; replaces glutamic acid 267 with lysine.
Molecular consequence: missense variant.
Genome position (GRCh38, 1-based): chr14:104,773,484, C>T on the plus strand (G>A on the coding strand, the complement: AKT1 is on the minus strand). VCF-style: chr14-104773484-C-T. GRCh37 (hg19) VCF-style: chr14-105239821-C-T.
Other names: c.799G>A, p.Glu267Lys (NM_001014431.2, NM_001014432.2, NM_001382431.1 and 3 more transcripts); short protein forms E267K.
Identifiers: ClinVar variation 960595 (VCV000960595.9), dbSNP rs1892518022, ClinGen allele CA391218265.

ClinVar aggregate classification (germline): Uncertain significance (1 of 4 stars; one submission).

Conditions:
Cowden syndrome 6 (CWS6). Identifiers: Orphanet 201, MedGen C3554519, MONDO:0014048, OMIM 615109.

Submission:

Labcorp Genetics (formerly Invitae), Labcorp
Classification: Uncertain significance for Cowden syndrome 6. Last evaluated: 2019-08-12. Review status: criteria provided, single submitter. Criteria: Invitae Variant Classification Sherloc (09022015). Collection method: clinical testing. Allele origin: germline.
Comment: This variant is not present in population databases (ExAC no frequency). This variant has not been reported in the literature in individuals with AKT1-related conditions. Algorithms developed to predict the effect of missense changes on protein structure and function are either unavailable or do not agree on the potential impact of this missense change (SIFT: "Deleterious"; PolyPhen-2: "Benign"; Align-GVGD: "Class C0"). In summary, the available evidence is currently insufficient to determine the role of this variant in disease. Therefore, it has been classified as a Variant of Uncertain Significance. This sequence change replaces glutamic acid with lysine at codon 267 of the AKT1 protein (p.Glu267Lys). The glutamic acid residue is weakly conserved and there is a small physicochemical difference between glutamic acid and lysine.